The following is an entry in ClinVar:

ClinVar aggregate classification (germline): Pathogenic (1 of 4 stars; one submission).

Conditions:
Ehlers-Danlos syndrome due to tenascin-X deficiency (EDSCLL1). Also called: TNX DEFICIENCY; EDS DUE TO TNX DEFICIENCY; EHLERS-DANLOS SYNDROME, CLASSIC-LIKE; Ehlers-Danlos syndrome, classic-like, 1; TNXB-Related Classical-Like Ehlers-Danlos Syndrome. Identifiers: Orphanet 230839, MedGen C1848029, MONDO:0011670, OMIM 606408.

Submission:

Myriad Genetics, Inc.
Classification: Pathogenic for Ehlers-Danlos syndrome due to tenascin-X deficiency. Last evaluated: 2026-01-27. Review status: criteria provided, single submitter. Criteria: Myriad Autosomal Dominant, Autosomal Recessive and X-Linked Classification Criteria (2023). Collection method: clinical testing. Allele origin: unknown.
Comment: NM_019105.6(TNXB):c.2378dupC(F794Ifs*13) is a frameshift variant classified as pathogenic in the context of classical-like Ehlers-Danlos syndrome, TNXB-related. F794Ifs*13 has not been observed in cases with relevant disease. Relevant functional assessments of this variant are not available in the literature. F794Ifs*13 has not been observed in referenced population frequency databases. In summary, NM_019105.6(TNXB):c.2378dupC(F794Ifs*13) is a frameshift variant in a gene where loss of function is a known mechanism of disease and is predicted to disrupt protein function. Please note: this variant was assessed in the context of healthy population screening.

NM_001365276.2(TNXB):c.2378dup (p.Phe794fs)

Gene: TNXB (tenascin XB; minus strand). Cytogenetic location: 6p21.33.
Variant type: Duplication.
Coding change: c.2378dup on transcript NM_001365276.2 (MANE Select); coding-DNA position 2378, one base duplicated (C; older notation c.2378dupC).
Protein change: p.Phe794fs; shifts the reading frame from phenylalanine 794.
Molecular consequence: frameshift variant.
Genome position (GRCh38, 1-based): chr6:32,089,360, G duplicated on the plus strand (C on the coding strand, the reverse complement: TNXB is on the minus strand); the first of 6 consecutive G bases (chr6:32,089,360-32,089,365); duplicating any one gives the same sequence. VCF-style (leftmost placement, unchanged base first): chr6-32089359-T-TG. GRCh37 (hg19) VCF-style: chr6-32057136-T-TG.
Other names: c.2378dup, p.Phe794fs (NM_001428335.1, NM_019105.8); short protein forms F794fs.
Identifiers: ClinVar variation 5004000 (VCV005004000.1).
Genomic context (GRCh38, chr6:32,089,359, plus strand): 5'-TCCAGGGGCCAGTCCTCTCTGGTCATAGGCTGAGGCAGAGCTTGGAACCCGTGCTGTGAA[T>TG]GGGGGGCTCGCCCCCTCTGTCTGTGAGAGAGAGCACCAGGTGGCTCAGGGGCTGGCACTC-3'